The following is an entry in ClinVar:

ClinVar aggregate classification (germline): Uncertain significance (1 of 4 stars; one submission).

Submission:

Labcorp Genetics (formerly Invitae), Labcorp
Classification: Uncertain significance. Last evaluated: 2022-11-01. Review status: criteria provided, single submitter. Criteria: Invitae Variant Classification Sherloc (09022015). Collection method: clinical testing. Allele origin: germline.
Comment: This sequence change replaces asparagine, which is neutral and polar, with serine, which is neutral and polar, at codon 356 of the LCA5 protein (p.Asn356Ser). This variant is not present in population databases (gnomAD no frequency). This variant has not been reported in the literature in individuals affected with LCA5-related conditions. ClinVar contains an entry for this variant (Variation ID: 1355315). Advanced modeling of protein sequence and biophysical properties (such as structural, functional, and spatial information, amino acid conservation, physicochemical variation, residue mobility, and thermodynamic stability) performed at Invitae indicates that this missense variant is not expected to disrupt LCA5 protein function. In summary, the available evidence is currently insufficient to determine the role of this variant in disease. Therefore, it has been classified as a Variant of Uncertain Significance.

NM_001122769.3(LCA5):c.1067A>G (p.Asn356Ser)

Gene: LCA5 (lebercilin LCA5; minus strand). Cytogenetic location: 6q14.1.
Variant type: single nucleotide variant.
Coding change: c.1067A>G on transcript NM_001122769.3 (MANE Select); coding-DNA position 1067, A replaced by G.
Protein change: p.Asn356Ser; replaces asparagine 356 with serine.
Molecular consequence: missense variant.
Genome position (GRCh38, 1-based): chr6:79,491,619, T>C on the plus strand (A>G on the coding strand, the complement: LCA5 is on the minus strand). VCF-style: chr6-79491619-T-C. GRCh37 (hg19) VCF-style: chr6-80201336-T-C.
Other names: c.1067A>G, p.Asn356Ser (NM_181714.4); short protein forms N356S.
Identifiers: ClinVar variation 1355315 (VCV001355315.8), dbSNP rs2127668667, ClinGen allele CA364643736.
Genomic context (GRCh38, chr6:79,491,619, plus strand): 5'-TTGGTACATAACAATACTGCTAAACTCACCAAAGTAAGATGTCCTGGTTCTTCCCATTTG[T>C]TTTCGTAACACATAATTGTTTCTGGAGTTAAAGGATATTCTTCTGGCTTGAAGTCTTCCA-3'
Protein context (NP_001116241.1, residues 346-366): LTPETIMCYE[Asn356Ser]KWEEPGHLTL